The following is an entry in ClinVar:

NM_005359.6(SMAD4):c.1204C>A (p.Leu402Ile)

Gene: SMAD4 (SMAD family member 4; plus strand). Cytogenetic location: 18q21.2.
Variant type: single nucleotide variant.
Coding change: c.1204C>A on transcript NM_005359.6 (MANE Select); coding-DNA position 1204, C replaced by A.
Protein change: p.Leu402Ile; replaces leucine 402 with isoleucine.
Molecular consequence: missense variant.
Genome position (GRCh38, 1-based): chr18:51,067,083, C>A. VCF-style: chr18-51067083-C-A. GRCh37 (hg19) VCF-style: chr18-48593453-C-A.
Other names: c.1204C>A, p.Leu402Ile (NM_001407041.1, NM_001407042.1); short protein forms L402I.
Identifiers: ClinVar variation 2106582 (VCV002106582.1), dbSNP rs2144452156, ClinGen allele CA402464848.

ClinVar aggregate classification (germline): Uncertain significance (1 of 4 stars; one submission).

Conditions:
Juvenile polyposis syndrome (JPS). Identifiers: Orphanet 2929, MedGen C0345893, MONDO:0017380, OMIM 174900.

Submission:

Labcorp Genetics (formerly Invitae), Labcorp
Classification: Uncertain significance for Juvenile polyposis syndrome. Last evaluated: 2022-03-04. Review status: criteria provided, single submitter. Criteria: Invitae Variant Classification Sherloc (09022015). Collection method: clinical testing. Allele origin: germline.
Comment: This sequence change replaces leucine, which is neutral and non-polar, with isoleucine, which is neutral and non-polar, at codon 402 of the SMAD4 protein (p.Leu402Ile). This variant is not present in population databases (gnomAD no frequency). This variant has not been reported in the literature in individuals affected with SMAD4-related conditions. Algorithms developed to predict the effect of missense changes on protein structure and function are either unavailable or do not agree on the potential impact of this missense change (SIFT: "Tolerated"; PolyPhen-2: "Possibly Damaging"; Align-GVGD: "Class C0"). In summary, the available evidence is currently insufficient to determine the role of this variant in disease. Therefore, it has been classified as a Variant of Uncertain Significance.